The following is an entry in ClinVar:

GRCh37/hg19 7q22.1-22.3(chr7:103354482-105407628)

Genes: PUS7 (pseudouridine synthase 7; minus strand), ATXN7L1 (ataxin 7 like 1; minus strand), KMT2E (lysine methyltransferase 2E (inactive); plus strand), LHFPL3 (LHFPL tetraspan subfamily member 3; plus strand), ORC5 (origin recognition complex subunit 5; minus strand) and 3 more. Cytogenetic location: 7q22.1-22.3.
Variant type: copy number loss.
Identifiers: ClinVar variation 805917 (VCV000805917.1).

ClinVar aggregate classification (germline): Likely pathogenic (0 of 4 stars; one submission).

Submission:

Broad Center for Mendelian Genomics, Broad Institute of MIT and Harvard
Classification: Likely pathogenic. Last evaluated: 2019-02-07. Review status: no assertion criteria provided. Collection method: research. Allele origin: de novo. Inheritance: Autosomal dominant inheritance. Affected: yes.
Comment: This deletion covers less than 15 protein-coding RefSeq genes. This deletion overlaps with the KMT2E variant which is reported to have, at least 29 de novo variants, of which 15 have confirmed maternity and paternity. It is of note that loss of function of the KMT2E gene in autosomal dominant disease has not yet been established based on the criteria laid out in Tayoun, 2018 (PMID: 30192042). In summary, although additional studies are required to fully establish its clinical significance, this variant is likely pathogenic.